The following is an entry in ClinVar:

ClinVar aggregate classification (germline): Likely benign. Review status: criteria provided, single submitter (1 of 4 stars). 2 submissions from 2 submitters: Likely benign (1). 1 of the submissions does not count toward it. Last evaluated 2024-07-12.

Conditions:
CFAP57-related disorder. Also called: CFAP57-related condition.

Allele frequency attached by ClinVar (database versions not stated): 1000 Genomes Project 0.00200; gnomAD 0.00038; ExAC 0.00077; 1000 Genomes Project 30x 0.00172.
gnomAD v4.1: 508 of 1,614,138 alleles (0.031%); highest among the groups gnomAD compares: East Asian, 1.1%; 4 homozygotes.

Submissions (2):

Blueprint Genetics
Classification: Likely benign. Last evaluated: 2024-07-12. Review status: criteria provided, single submitter. Criteria: ACMG Guidelines, 2015. Collection method: clinical testing. Allele origin: germline.

PreventionGenetics, part of Exact Sciences
Classification: Likely benign for CFAP57-related condition. Last evaluated: 2019-03-29. Review status: no assertion criteria provided. Collection method: clinical testing. Allele origin: germline. Not counted in ClinVar's aggregate classification.
Comment: This variant is classified as likely benign based on ACMG/AMP sequence variant interpretation guidelines (Richards et al. 2015 PMID: 25741868, with internal and published modifications).

NM_001378189.1(CFAP57):c.1176C>T (p.Ile392=)

Genes: CFAP57 (cilia and flagella associated protein 57; plus strand), EBNA1BP2 (EBNA1 binding protein 2; minus strand), LOC105378685 (uncharacterized LOC105378685; minus strand). Cytogenetic location: 1p34.2.
Variant type: single nucleotide variant.
Coding change: c.1176C>T on transcript NM_001378189.1 (MANE Select); coding-DNA position 1176, C replaced by T.
Protein change: p.Ile392=; no amino-acid change (isoleucine 392 retained).
Molecular consequence: synonymous variant.
Genome position (GRCh38, 1-based): chr1:43,197,606, C>T. VCF-style: chr1-43197606-C-T. GRCh37 (hg19) VCF-style: chr1-43663277-C-T.
Other names: c.1176C>T, p.Ile392= (NM_001167965.1, NM_001195831.3, NM_152498.3).
Identifiers: ClinVar variation 3052215 (VCV003052215.3), dbSNP rs117105091, ClinGen allele CA804583.